The following is an entry in ClinVar:

NM_017534.6(MYH2):c.4079A>G (p.Lys1360Arg)

Genes: MYHAS (myosin heavy chain gene cluster antisense RNA; plus strand), MYH2 (myosin heavy chain 2; minus strand). Cytogenetic location: 17p13.1.
Variant type: single nucleotide variant.
Coding change: c.4079A>G on transcript NM_017534.6 (MANE Select); coding-DNA position 4079, A replaced by G.
Protein change: p.Lys1360Arg; replaces lysine 1360 with arginine.
Molecular consequence: missense variant.
Genome position (GRCh38, 1-based): chr17:10,526,707, T>C on the plus strand (A>G on the coding strand, the complement: MYH2 is on the minus strand). VCF-style: chr17-10526707-T-C. GRCh37 (hg19) VCF-style: chr17-10430024-T-C.
Other names: c.4079A>G, p.Lys1360Arg (NM_001100112.2); short protein forms K1360R.
Identifiers: ClinVar variation 3617834 (VCV003617834.2).

ClinVar aggregate classification (germline): Uncertain significance (1 of 4 stars; one submission).

Conditions:
Myopathy, proximal, and ophthalmoplegia (CMYO6). Also called: INCLUSION BODY MYOPATHY 3, AUTOSOMAL DOMINANT; CONGENITAL MYOPATHY 6 WITH OPHTHALMOPLEGIA; MYOPATHY WITH CONGENITAL JOINT CONTRACTURES, OPHTHALMOPLEGIA, AND RIMMED VACUOLES. Identifiers: Orphanet 363677, Orphanet 79091, MedGen C1854106, MONDO:0011577, OMIM 605637.

gnomAD v4.1: 3 of 1,614,020 alleles (0.00019%); highest among the groups gnomAD compares: South Asian, 0.0033%; no homozygotes.

Submission:

Labcorp Genetics (formerly Invitae), Labcorp
Classification: Uncertain significance for Myopathy, proximal, and ophthalmoplegia. Last evaluated: 2024-07-10. Review status: criteria provided, single submitter. Criteria: Invitae Variant Classification Sherloc (09022015). Collection method: clinical testing. Allele origin: germline.
Comment: This sequence change replaces lysine, which is basic and polar, with arginine, which is basic and polar, at codon 1360 of the MYH2 protein (p.Lys1360Arg). This variant is present in population databases (no rsID available, gnomAD 0.003%). This variant has not been reported in the literature in individuals affected with MYH2-related conditions. Advanced modeling of protein sequence and biophysical properties (such as structural, functional, and spatial information, amino acid conservation, physicochemical variation, residue mobility, and thermodynamic stability) performed at Invitae indicates that this missense variant is not expected to disrupt MYH2 protein function with a negative predictive value of 80%. In summary, the available evidence is currently insufficient to determine the role of this variant in disease. Therefore, it has been classified as a Variant of Uncertain Significance.